The following is an entry in ClinVar:

NM_014249.4(NR2E3):c.800A>G (p.Gln267Arg)

Gene: NR2E3 (nuclear receptor subfamily 2 group E member 3; plus strand). Cytogenetic location: 15q23.
Variant type: single nucleotide variant.
Coding change: c.800A>G on transcript NM_014249.4 (MANE Select); coding-DNA position 800, A replaced by G.
Protein change: p.Gln267Arg; replaces glutamine 267 with arginine.
Molecular consequence: missense variant.
Genome position (GRCh38, 1-based): chr15:71,813,441, A>G. VCF-style: chr15-71813441-A-G. GRCh37 (hg19) VCF-style: chr15-72105781-A-G.
Other names: c.800A>G, p.Gln267Arg (NM_016346.4); short protein forms Q267R.
Identifiers: ClinVar variation 2996647 (VCV002996647.3), dbSNP rs1212723758, ClinGen allele CA393036465.
Genomic context (GRCh38, chr15:71,813,441, plus strand): 5'-GAGCACAGGTGATCCTGCTGGAAGAGGCGTGGAGTGAACTCTTTCTCCTCGGGGCCATCC[A>G]GTGGTCTCTGCCTCTGGACAGCTGTCCTCTGCTGGCACCGCCCGAGGCCTCTGCTGCCGG-3'
Protein context (NP_055064.1, residues 257-277): WSELFLLGAI[Gln267Arg]WSLPLDSCPL

ClinVar aggregate classification (germline): Uncertain significance (1 of 4 stars; one submission).

Allele frequency attached by ClinVar (database versions not stated): gnomAD exomes below 0.00001; TOPMed below 0.00001; gnomAD 0.00001.

Submission:

Labcorp Genetics (formerly Invitae), Labcorp
Classification: Uncertain significance. Last evaluated: 2025-10-20. Review status: criteria provided, single submitter. Criteria: Invitae Variant Classification Sherloc (09022015). Collection method: clinical testing. Allele origin: germline.
Comment: This sequence change replaces glutamine, which is neutral and polar, with arginine, which is basic and polar, at codon 267 of the NR2E3 protein (p.Gln267Arg). This variant is not present in population databases (gnomAD no frequency). This variant has not been reported in the literature in individuals affected with NR2E3-related conditions. ClinVar contains an entry for this variant (Variation ID: 2996647). Invitae Evidence Modeling of protein sequence and biophysical properties (such as structural, functional, and spatial information, amino acid conservation, physicochemical variation, residue mobility, and thermodynamic stability) has been performed for this missense variant. However, the output from this modeling did not meet the statistical confidence thresholds required to predict the impact of this variant on NR2E3 protein function. In summary, the available evidence is currently insufficient to determine the role of this variant in disease. Therefore, it has been classified as a Variant of Uncertain Significance.